The following is an entry in ClinVar:

NM_001371279.1(REEP1):c.*2457G>C

Gene: REEP1 (receptor accessory protein 1; minus strand). Cytogenetic location: 2p11.2.
Variant type: single nucleotide variant.
Coding change: c.*2457G>C on transcript NM_001371279.1 (MANE Select); 2457 bases downstream of the stop codon, G replaced by C.
Molecular consequence: 3 prime UTR variant.
Genome position (GRCh38, 1-based): chr2:86,214,582, C>G on the plus strand (G>C on the coding strand, the complement: REEP1 is on the minus strand). VCF-style: chr2-86214582-C-G. GRCh37 (hg19) VCF-style: chr2-86441705-C-G.
Other names: c.*2518G>C (NM_001164730.2, NM_001164731.2, NM_022912.3); c.*2457G>C (NM_001164732.2, NM_001371280.1).
Identifiers: ClinVar variation 337353 (VCV000337353.6), dbSNP rs77055865, ClinGen allele CA10614578.

ClinVar aggregate classification (germline): Benign/Likely benign. Review status: criteria provided, multiple submitters, no conflicts (2 of 4 stars). 2 submissions from 2 submitters: Benign (1); Likely benign (1). Last evaluated 2019-07-02.

Conditions:
Hereditary spastic paraplegia 31. Also called: SPASTIC PARAPLEGIA 31, AUTOSOMAL DOMINANT. Identifiers: Orphanet 101011, MedGen C1853247, MONDO:0012453, OMIM 610250.

Allele frequency attached by ClinVar (database versions not stated): gnomAD 0.02893 and 0.03118; 1000 Genomes Project 30x 0.03061; 1000 Genomes Project 0.03075; TOPMed 0.03234.

Submissions (2):

GeneDx
Classification: Benign. Last evaluated: 2019-07-02. Review status: criteria provided, single submitter. Criteria: GeneDx Variant Classification Process June 2021. Collection method: clinical testing. Allele origin: germline. Affected: yes.

Illumina Laboratory Services, Illumina
Classification: Likely benign for Hereditary spastic paraplegia 31. Last evaluated: 2017-04-27. Review status: criteria provided, single submitter. Criteria: ICSL Variant Classification Criteria 13 December 2019. Collection method: clinical testing. Allele origin: germline.
Comment: This variant was observed as part of a predisposition screen in an ostensibly healthy population. A literature search was performed for the gene, cDNA change, and amino acid change (where applicable). No publications were found based on this search. Allele frequency data from public databases allowed determination this variant is unlikely to cause disease. Therefore, this variant is classified as likely benign.